The following is an entry in ClinVar:

ClinVar aggregate classification (germline): Uncertain significance (1 of 4 stars; one submission).

Conditions:
Autosomal dominant hypocalcemia 1 (HYPOC1). Also called: HYPOCALCEMIA, FAMILIAL. Identifiers: MedGen C3715128, MONDO:0011013, OMIM 601198.
Familial hypocalciuric hypercalcemia (FHH). Also called: Familial benign hypercalcemia. Identifiers: Orphanet 405, MedGen C1809471, MONDO:0018458.

Submission:

Labcorp Genetics (formerly Invitae), Labcorp
Classification: Uncertain significance for Familial hypocalciuric hypercalcemia; Autosomal dominant hypocalcemia 1. Last evaluated: 2022-08-22. Review status: criteria provided, single submitter. Criteria: Invitae Variant Classification Sherloc (09022015). Collection method: clinical testing. Allele origin: germline.
Comment: In summary, the available evidence is currently insufficient to determine the role of this variant in disease. Therefore, it has been classified as a Variant of Uncertain Significance. Algorithms developed to predict the effect of missense changes on protein structure and function (SIFT, PolyPhen-2, Align-GVGD) all suggest that this variant is likely to be tolerated. ClinVar contains an entry for this variant (Variation ID: 1018329). This variant has not been reported in the literature in individuals affected with CASR-related conditions. This variant is not present in population databases (gnomAD no frequency). This sequence change replaces serine, which is neutral and polar, with glycine, which is neutral and non-polar, at codon 1058 of the CASR protein (p.Ser1058Gly).

NM_000388.4(CASR):c.3172A>G (p.Ser1058Gly)

Gene: CASR (calcium sensing receptor; plus strand). Cytogenetic location: 3q21.1.
Variant type: single nucleotide variant.
Coding change: c.3172A>G on transcript NM_000388.4 (MANE Select); coding-DNA position 3172, A replaced by G.
Protein change: p.Ser1058Gly; replaces serine 1058 with glycine.
Molecular consequence: missense variant.
Genome position (GRCh38, 1-based): chr3:122,285,126, A>G. VCF-style: chr3-122285126-A-G. GRCh37 (hg19) VCF-style: chr3-122003973-A-G.
Other names: c.3202A>G, p.Ser1068Gly (NM_001178065.2); short protein forms S1058G, S1068G.
Identifiers: ClinVar variation 1018329 (VCV001018329.9), dbSNP rs2074954886, ClinGen allele CA354161686.